The following is an entry in ClinVar:

NM_016239.4(MYO15A):c.2367C>A (p.Cys789Ter)

Gene: MYO15A (myosin XVA; plus strand). Cytogenetic location: 17p11.2.
Variant type: single nucleotide variant.
Coding change: c.2367C>A on transcript NM_016239.4 (MANE Select); coding-DNA position 2367, C replaced by A.
Protein change: p.Cys789Ter; replaces cysteine 789 with a stop codon.
Molecular consequence: nonsense.
Genome position (GRCh38, 1-based): chr17:18,121,167, C>A. VCF-style: chr17-18121167-C-A. GRCh37 (hg19) VCF-style: chr17-18024481-C-A.
Other names: short protein forms C789*.
Identifiers: ClinVar variation 2827982 (VCV002827982.3), dbSNP rs2545186890, ClinGen allele CA398583943.

ClinVar aggregate classification (germline): Pathogenic (1 of 4 stars; one submission).

Submission:

Labcorp Genetics (formerly Invitae), Labcorp
Classification: Pathogenic. Last evaluated: 2023-01-17. Review status: criteria provided, single submitter. Criteria: Invitae Variant Classification Sherloc (09022015). Collection method: clinical testing. Allele origin: germline.
Comment: This sequence change creates a premature translational stop signal (p.Cys789*) in the MYO15A gene. It is expected to result in an absent or disrupted protein product. Loss-of-function variants in MYO15A are known to be pathogenic (PMID: 17546645). This variant is not present in population databases (gnomAD no frequency). This variant has not been reported in the literature in individuals affected with MYO15A-related conditions. For these reasons, this variant has been classified as Pathogenic.

Literature cited by the submitters: PubMed 17546645.